The following is an entry in ClinVar:

NC_000022.11:g.(?_28687891)_(28689221_?)del

Gene: CHEK2 (checkpoint kinase 2; minus strand). Cytogenetic location: 22q12.1.
Variant type: Deletion.
Identifiers: ClinVar variation 460664 (VCV000460664.2).

ClinVar aggregate classification (germline): Likely pathogenic (1 of 4 stars; one submission).

Conditions:
Familial cancer of breast. Also called: BREAST CANCER, FAMILIAL; hereditary breast carcinoma; Hereditary breast cancer. Identifiers: Orphanet 227535, MedGen C0346153, MONDO:0016419, OMIM 114480. Disease mechanism: loss of function.

Submission:

Labcorp Genetics (formerly Invitae), Labcorp
Classification: Likely pathogenic for Familial cancer of breast. Last evaluated: 2018-03-08. Review status: criteria provided, single submitter. Criteria: Invitae Variant Classification Sherloc (09022015). Collection method: clinical testing. Allele origin: germline.
Comment: This variant is a gross deletion of the genomic region encompassing exons 14-15 of the CHEK2 gene. The 5' boundary is likely confined to intron 13. The 3' end of this event is unknown as it extends through the termination codon beyond the assayed region for this gene and may encompass additional genes. While this deletion is not anticipated to result in nonsense mediated decay, it is expected to create a truncated CHEK2 protein. This deletion removes amino acids 488-543 of the CHEK2 protein. Experimental studies have shown that amino acids 515-522 contain a nuclear localization signal, and that CHEK2, when lacking these residues, localizes to the cytoplasm instead of the nucleus. In addition, phosphorylation of the serine residue at codon 516 is required for normal CHEK2 function (PMID: 12909615, 12855706, 18004398). In summary, this variant removes a portion of the CHEK2 protein that is required for its function. For these reasons, this variant has been classified as Likely Pathogenic.

Literature cited by the submitters: PubMed 12909615; PubMed 12855706; PubMed 18004398.